The following is an entry in ClinVar:

NM_032578.4(MYPN):c.2183C>A (p.Pro728His)

Gene: MYPN (myopalladin; plus strand). Cytogenetic location: 10q21.3.
Variant type: single nucleotide variant.
Coding change: c.2183C>A on transcript NM_032578.4 (MANE Select); coding-DNA position 2183, C replaced by A.
Protein change: p.Pro728His; replaces proline 728 with histidine.
Molecular consequence: missense variant. On other transcripts: non-coding transcript variant (2).
Genome position (GRCh38, 1-based): chr10:68,174,275, C>A. VCF-style: chr10-68174275-C-A. GRCh37 (hg19) VCF-style: chr10-69934032-C-A.
Other names: c.2183C>A, p.Pro728His (NM_001256267.2); c.1301C>A, p.Pro434His (NM_001256268.2); short protein forms P434H, P728H.
Identifiers: ClinVar variation 859328 (VCV000859328.9), dbSNP rs570682390, ClinGen allele CA5522749.
Genomic context (GRCh38, chr10:68,174,275, plus strand): 5'-AGCAGGTGAAGGCTCCTTCATCACAGACGTTCAGCTTGGCCCGGCCGAAGTATTTCTTCC[C>A]CTCCACGAACACCACCGCAGCAACTGTGGCCCCTTCCAGCTCTCCGGTGTTCACTTTGAG-3'
Protein context (NP_115967.2, residues 718-738): FSLARPKYFF[Pro728His]STNTTAATVA

ClinVar aggregate classification (germline): Uncertain significance (1 of 4 stars; one submission).

Conditions:
Dilated cardiomyopathy 1KK (CMD1KK). Identifiers: Orphanet 154, Orphanet 75249, MedGen C3714995, MONDO:0014100, OMIM 615248.

Allele frequency attached by ClinVar (database versions not stated): TOPMed 0.00001.
gnomAD v4.1: 7 of 1,614,002 alleles (0.00043%); highest among the groups gnomAD compares: South Asian, 0.0066%; no homozygotes.

Submission:

Labcorp Genetics (formerly Invitae), Labcorp
Classification: Uncertain significance for Dilated cardiomyopathy 1KK. Last evaluated: 2024-03-05. Review status: criteria provided, single submitter. Criteria: Invitae Variant Classification Sherloc (09022015). Collection method: clinical testing. Allele origin: germline.
Comment: This sequence change replaces proline, which is neutral and non-polar, with histidine, which is basic and polar, at codon 728 of the MYPN protein (p.Pro728His). This variant is present in population databases (rs570682390, gnomAD 0.01%). This variant has not been reported in the literature in individuals affected with MYPN-related conditions. ClinVar contains an entry for this variant (Variation ID: 859328). An algorithm developed to predict the effect of missense changes on protein structure and function (PolyPhen-2) suggests that this variant is likely to be disruptive. In summary, the available evidence is currently insufficient to determine the role of this variant in disease. Therefore, it has been classified as a Variant of Uncertain Significance.